The following is an entry in ClinVar:

ClinVar aggregate classification (germline): Likely benign (1 of 4 stars; one submission).

Conditions:
SPEN-related disorder. Also called: SPEN-related condition.

gnomAD v4.1: 4 of 1,588,146 alleles (0.00025%); highest among the groups gnomAD compares: Non-Finnish European, 0.00026%; no homozygotes.

Submission:

PreventionGenetics, part of Exact Sciences
Classification: Likely benign for SPEN-related condition. Last evaluated: 2026-07-08. Review status: criteria provided, single submitter. Criteria: ACMG Guidelines, 2015. Collection method: clinical testing. Allele origin: germline.
Comment: This variant is classified as likely benign based on ACMG/AMP sequence variant interpretation guidelines (Richards et al. 2015 PMID: 25741868, with internal and published modifications).

NM_015001.3(SPEN):c.10869C>G (p.Ala3623=)

Gene: SPEN (spen family transcriptional repressor; plus strand). Cytogenetic location: 1p36.13.
Variant type: single nucleotide variant.
Coding change: c.10869C>G on transcript NM_015001.3 (MANE Select); coding-DNA position 10869, C replaced by G.
Protein change: p.Ala3623=; no amino-acid change (alanine 3623 retained).
Molecular consequence: synonymous variant.
Genome position (GRCh38, 1-based): chr1:15,939,301, C>G. VCF-style: chr1-15939301-C-G. GRCh37 (hg19) VCF-style: chr1-16265796-C-G.
Identifiers: ClinVar variation 4977635 (VCV004977635.1).